The following is an entry in ClinVar:

ClinVar aggregate classification (germline): Uncertain significance. Review status: criteria provided, multiple submitters, no conflicts (2 of 4 stars). 4 submissions from 4 submitters: Uncertain significance (3). 1 of the submissions does not count toward it. Last evaluated 2025-10-01.

Conditions:
Bardet-Biedl syndrome 2 (BBS2). Identifiers: Orphanet 110, MedGen C2936863, MONDO:0014432, OMIM 615981.
Retinitis pigmentosa 74 (RP74). Identifiers: Orphanet 791, MedGen C4225281, MONDO:0014692, OMIM 616562.
BBS2-related disorder. Also called: BBS2-related disorders; BBS2-related condition. Identifiers: MedGen CN239228.
Bardet-Biedl syndrome (BBS). Identifiers: Orphanet 110, MedGen C0752166, MONDO:0015229.

Allele frequency attached by ClinVar (database versions not stated): gnomAD 0.00001.
gnomAD v4.1: 1 of 1,614,022 alleles (0.000062%); highest among the groups gnomAD compares: African/African-American, 0.0013%; no homozygotes.

Submissions (4):

PreventionGenetics, part of Exact Sciences
Classification: Uncertain significance for BBS2-related condition. Last evaluated: 2025-10-01. Review status: criteria provided, single submitter. Criteria: ACMG Guidelines, 2015. Collection method: clinical testing. Allele origin: germline.
Comment: The BBS2 c.425G>A variant is predicted to result in the amino acid substitution p.Cys142Tyr. To our knowledge, this variant has not been reported in the literature. This variant is reported in 0.011% of alleles in individuals of African descent in gnomAD. At this time, the clinical significance of this variant is uncertain due to the absence of conclusive functional and genetic evidence.

Fulgent Genetics
Classification: Uncertain significance for Bardet-Biedl syndrome 2; Retinitis pigmentosa 74. Last evaluated: 2024-02-01. Review status: criteria provided, single submitter. Criteria: ACMG Guidelines, 2015. Collection method: clinical testing. Allele origin: germline.

Labcorp Genetics (formerly Invitae), Labcorp
Classification: Uncertain significance for Bardet-Biedl syndrome. Last evaluated: 2022-02-05. Review status: criteria provided, single submitter. Criteria: Invitae Variant Classification Sherloc (09022015). Collection method: clinical testing. Allele origin: germline.
Comment: In summary, the available evidence is currently insufficient to determine the role of this variant in disease. Therefore, it has been classified as a Variant of Uncertain Significance. Algorithms developed to predict the effect of missense changes on protein structure and function (SIFT, PolyPhen-2, Align-GVGD) all suggest that this variant is likely to be disruptive. This variant has not been reported in the literature in individuals affected with BBS2-related conditions. The frequency data for this variant in the population databases is considered unreliable, as metrics indicate poor data quality at this position in the gnomAD database. This sequence change replaces cysteine, which is neutral and slightly polar, with tyrosine, which is neutral and polar, at codon 142 of the BBS2 protein (p.Cys142Tyr).

Natera, Inc.
Classification: Uncertain significance for Bardet-Biedl syndrome type 2. Last evaluated: 2025-02-04. Review status: no assertion criteria provided. Collection method: clinical testing. Allele origin: germline. Not counted in ClinVar's aggregate classification.

NM_031885.5(BBS2):c.425G>A (p.Cys142Tyr)

Gene: BBS2 (Bardet-Biedl syndrome 2; minus strand). Cytogenetic location: 16q13.
Variant type: single nucleotide variant.
Coding change: c.425G>A on transcript NM_031885.5 (MANE Select); coding-DNA position 425, G replaced by A.
Protein change: p.Cys142Tyr; replaces cysteine 142 with tyrosine.
Molecular consequence: missense variant. On other transcripts: non-coding transcript variant (5).
Genome position (GRCh38, 1-based): chr16:56,511,205, C>T on the plus strand (G>A on the coding strand, the complement: BBS2 is on the minus strand). VCF-style: chr16-56511205-C-T. GRCh37 (hg19) VCF-style: chr16-56545117-C-T.
Other names: c.425G>A (NM_031885.3); c.425G>A, p.Cys142Tyr (NM_001377456.1); short protein forms C142Y.
Identifiers: ClinVar variation 1413072 (VCV001413072.11), dbSNP rs1348932407, ClinGen allele CA395984398.